The following is an entry in ClinVar:

ClinVar aggregate classification (germline): Uncertain significance (1 of 4 stars; one submission).

Conditions:
Kabuki syndrome. Also called: NIIKAWA-KUROKI SYNDROME; Kabuki make-up syndrome. Identifiers: Orphanet 2322, MedGen C0796004, MONDO:0016512.

Submission:

Labcorp Genetics (formerly Invitae), Labcorp
Classification: Uncertain significance for Kabuki syndrome. Last evaluated: 2022-07-19. Review status: criteria provided, single submitter. Criteria: Invitae Variant Classification Sherloc (09022015). Collection method: clinical testing. Allele origin: germline.
Comment: In summary, the available evidence is currently insufficient to determine the role of this variant in disease. Therefore, it has been classified as a Variant of Uncertain Significance. Algorithms developed to predict the effect of missense changes on protein structure and function are either unavailable or do not agree on the potential impact of this missense change (SIFT: "Not Available"; PolyPhen-2: "Probably Damaging"; Align-GVGD: "Not Available"). ClinVar contains an entry for this variant (Variation ID: 571405). This variant has not been reported in the literature in individuals affected with KMT2D-related conditions. Information on the frequency of this variant in the gnomAD database is not available, as this variant may be reported differently in the database. This sequence change replaces glycine, which is neutral and non-polar, with glutamic acid, which is acidic and polar, at codon 1384 of the KMT2D protein (p.Gly1384Glu).

NM_003482.4(KMT2D):c.4151_4152delinsAA (p.Gly1384Glu)

Gene: KMT2D (lysine methyltransferase 2D; minus strand). Cytogenetic location: 12q13.12.
Variant type: Indel.
Coding change: c.4151_4152delinsAA on transcript NM_003482.4 (MANE Select); coding-DNA positions 4151 to 4152, GC replaced by AA.
Protein change: p.Gly1384Glu; replaces glycine 1384 with glutamic acid.
Molecular consequence: missense variant.
Genome position (GRCh38, 1-based): chr12:49,048,049-49,048,050, GC replaced by TT on the plus strand (GC replaced by AA on the coding strand, the reverse complement: KMT2D is on the minus strand). VCF-style: chr12-49048049-GC-TT. GRCh37 (hg19) VCF-style: chr12-49441832-GC-TT.
Other names: c.4151_4152delGCinsAA (NM_003482.3); short protein forms G1384E.
Identifiers: ClinVar variation 571405 (VCV000571405.8), dbSNP rs1565809602, ClinGen allele CA891843485.